The following is an entry in ClinVar:

ClinVar aggregate classification (germline): Uncertain significance (1 of 4 stars; one submission).

Submission:

Labcorp Genetics (formerly Invitae), Labcorp
Classification: Uncertain significance. Last evaluated: 2022-04-06. Review status: criteria provided, single submitter. Criteria: Invitae Variant Classification Sherloc (09022015). Collection method: clinical testing. Allele origin: germline.
Comment: In summary, the available evidence is currently insufficient to determine the role of this variant in disease. Therefore, it has been classified as a Variant of Uncertain Significance. Algorithms developed to predict the effect of missense changes on protein structure and function are either unavailable or do not agree on the potential impact of this missense change (SIFT: "Deleterious"; PolyPhen-2: "Possibly Damaging"; Align-GVGD: "Class C0"). This variant has not been reported in the literature in individuals affected with TOPORS-related conditions. This variant is not present in population databases (gnomAD no frequency). This sequence change replaces arginine, which is basic and polar, with histidine, which is basic and polar, at codon 287 of the TOPORS protein (p.Arg287His).

NM_005802.5(TOPORS):c.860G>A (p.Arg287His)

Gene: TOPORS (TOP1 binding arginine/serine rich protein, E3 ubiquitin ligase; minus strand). Cytogenetic location: 9p21.1.
Variant type: single nucleotide variant.
Coding change: c.860G>A on transcript NM_005802.5 (MANE Select); coding-DNA position 860, G replaced by A.
Protein change: p.Arg287His; replaces arginine 287 with histidine.
Molecular consequence: missense variant.
Genome position (GRCh38, 1-based): chr9:32,543,665, C>T on the plus strand (G>A on the coding strand, the complement: TOPORS is on the minus strand). VCF-style: chr9-32543665-C-T. GRCh37 (hg19) VCF-style: chr9-32543663-C-T.
Other names: c.665G>A, p.Arg222His (NM_001195622.2); short protein forms R287H, R222H.
Identifiers: ClinVar variation 1914508 (VCV001914508.5), dbSNP rs1387404264, ClinGen allele CA373171728.